The following is an entry in ClinVar:

ClinVar aggregate classification (germline): Pathogenic (1 of 4 stars; one submission).

Submission:

Labcorp Genetics (formerly Invitae), Labcorp
Classification: Pathogenic. Last evaluated: 2023-03-20. Review status: criteria provided, single submitter. Criteria: Invitae Variant Classification Sherloc (09022015). Collection method: clinical testing. Allele origin: germline.
Comment: For these reasons, this variant has been classified as Pathogenic. This variant has not been reported in the literature in individuals affected with ALPL-related conditions. This variant is not present in population databases (gnomAD no frequency). This sequence change creates a premature translational stop signal (p.Glu311Argfs*55) in the ALPL gene. It is expected to result in an absent or disrupted protein product. Loss-of-function variants in ALPL are known to be pathogenic (PMID: 3174660, 10679946, 32973344, 33814268).

Literature cited by the submitters: PubMed 3174660; PubMed 10679946; PubMed 32973344; PubMed 33814268.

NM_000478.6(ALPL):c.930del (p.Glu311fs)

Gene: ALPL (alkaline phosphatase, biomineralization associated; plus strand). Cytogenetic location: 1p36.12.
Variant type: Deletion.
Coding change: c.930del on transcript NM_000478.6 (MANE Select); coding-DNA position 930, one base deleted (C; older notation c.930delC).
Protein change: p.Glu311fs; shifts the reading frame from glutamic acid 311.
Molecular consequence: frameshift variant.
Genome position (GRCh38, 1-based): chr1:21,573,732, C deleted; the last of 2 consecutive C bases (chr1:21,573,731-21,573,732); deleting either gives the same sequence. VCF-style (leftmost placement, unchanged base first): chr1-21573730-TC-T. GRCh37 (hg19) VCF-style: chr1-21900223-TC-T.
Other names: c.765del, p.Glu256fs (NM_001127501.4); c.699del, p.Glu234fs (NM_001177520.3); c.930del, p.Glu311fs (NM_001369803.2, NM_001369804.2, NM_001369805.2); short protein forms E311fs, E234fs, E256fs.
Identifiers: ClinVar variation 2847695 (VCV002847695.3), dbSNP rs2545334775, ClinGen allele CA2739272347.